The following is an entry in ClinVar:

ClinVar aggregate classification (germline): Uncertain significance (1 of 4 stars; one submission).

Allele frequency attached by ClinVar (database versions not stated): gnomAD exomes below 0.00001.
gnomAD v4.1: 1 of 1,614,130 alleles (0.000062%); highest among the groups gnomAD compares: Non-Finnish European, 0.000085%; no homozygotes.

Submission:

Labcorp Genetics (formerly Invitae), Labcorp
Classification: Uncertain significance. Last evaluated: 2023-08-16. Review status: criteria provided, single submitter. Criteria: Invitae Variant Classification Sherloc (09022015). Collection method: clinical testing. Allele origin: germline.
Comment: This sequence change replaces arginine, which is basic and polar, with histidine, which is basic and polar, at codon 1260 of the CHD8 protein (p.Arg1260His). This variant is not present in population databases (gnomAD no frequency). This variant has not been reported in the literature in individuals affected with CHD8-related conditions. Advanced modeling of protein sequence and biophysical properties (such as structural, functional, and spatial information, amino acid conservation, physicochemical variation, residue mobility, and thermodynamic stability) performed at Invitae indicates that this missense variant is expected to disrupt CHD8 protein function. In summary, the available evidence is currently insufficient to determine the role of this variant in disease. Therefore, it has been classified as a Variant of Uncertain Significance.

NM_001170629.2(CHD8):c.3779G>A (p.Arg1260His)

Gene: CHD8 (chromodomain helicase DNA binding protein 8; minus strand). Cytogenetic location: 14q11.2.
Variant type: single nucleotide variant.
Coding change: c.3779G>A on transcript NM_001170629.2 (MANE Select); coding-DNA position 3779, G replaced by A.
Protein change: p.Arg1260His; replaces arginine 1260 with histidine.
Molecular consequence: missense variant.
Genome position (GRCh38, 1-based): chr14:21,402,439, C>T on the plus strand (G>A on the coding strand, the complement: CHD8 is on the minus strand). VCF-style: chr14-21402439-C-T. GRCh37 (hg19) VCF-style: chr14-21870598-C-T.
Other names: c.2942G>A, p.Arg981His (NM_020920.4); short protein forms R1260H, R981H.
Identifiers: ClinVar variation 2803017 (VCV002803017.3), dbSNP rs2501897952, ClinGen allele CA388898917.